The following is an entry in ClinVar:

ClinVar aggregate classification (germline): Uncertain significance (1 of 4 stars; one submission).

Conditions:
Inborn genetic diseases. Identifiers: MedGen C0950123, MeSH D030342.

gnomAD v4.1: 14 of 1,613,130 alleles (0.00087%); highest among the groups gnomAD compares: South Asian, 0.013%; no homozygotes.

Submission:

Ambry Genetics
Classification: Uncertain significance for Inborn genetic diseases. Last evaluated: 2025-10-14. Review status: criteria provided, single submitter. Criteria: Ambry Variant Classification Scheme 2023. Collection method: clinical testing. Allele origin: germline.
Comment: The c.445C>T (p.L149F) alteration is located in exon 4 (coding exon 4) of the PIGP gene. This alteration results from a C to T substitution at nucleotide position 445, causing the leucine (L) at amino acid position 149 to be replaced by a phenylalanine (F). Based on data from gnomAD, the T allele has an overall frequency of 0.001% (3/249568) total alleles studied. The highest observed frequency was 0.016% (1/6112) of Other alleles. Based on insufficient or conflicting evidence, the clinical significance of this alteration remains unclear.

NM_153682.3(PIGP):c.373C>T (p.Leu125Phe)

Gene: PIGP (phosphatidylinositol glycan anchor biosynthesis class P; minus strand). Cytogenetic location: 21q22.13.
Variant type: single nucleotide variant.
Coding change: c.373C>T on transcript NM_153682.3 (MANE Select); coding-DNA position 373, C replaced by T.
Protein change: p.Leu125Phe; replaces leucine 125 with phenylalanine.
Molecular consequence: missense variant.
Genome position (GRCh38, 1-based): chr21:37,065,614, G>A on the plus strand (C>T on the coding strand, the complement: PIGP is on the minus strand). VCF-style: chr21-37065614-G-A. GRCh37 (hg19) VCF-style: chr21-38437914-G-A.
Other names: c.373C>T, p.Leu125Phe (NM_001320480.2); c.295C>T, p.Leu99Phe (NM_016430.4); c.445C>T, p.Leu149Phe (NM_153681.2); short protein forms L125F, L149F, L99F.
Identifiers: ClinVar variation 4627578 (VCV004627578.1).